The following is an entry in ClinVar:

NM_181523.3(PIK3R1):c.1226G>A (p.Arg409Gln)

Gene: PIK3R1 (phosphoinositide-3-kinase regulatory subunit 1; plus strand). Cytogenetic location: 5q13.1.
Variant type: single nucleotide variant.
Coding change: c.1226G>A on transcript NM_181523.3 (MANE Select); coding-DNA position 1226, G replaced by A.
Protein change: p.Arg409Gln; replaces arginine 409 with glutamine.
Molecular consequence: missense variant.
Genome position (GRCh38, 1-based): chr5:68,293,410, G>A. VCF-style: chr5-68293410-G-A. GRCh37 (hg19) VCF-style: chr5-67589238-G-A.
Other names: c.137G>A, p.Arg46Gln (NM_001242466.2); c.416G>A, p.Arg139Gln (NM_181504.4); c.326G>A, p.Arg109Gln (NM_181524.2); short protein forms R109Q, R139Q, R409Q, R46Q.
Identifiers: ClinVar variation 999594 (VCV000999594.9), dbSNP rs748784250, ClinGen allele CA3290352.

ClinVar aggregate classification (germline): Uncertain significance. Review status: criteria provided, multiple submitters, no conflicts (2 of 4 stars). 3 submissions from 3 submitters: Uncertain significance (2). 1 of the submissions does not count toward it. Last evaluated 2025-05-13.

Conditions:
Immunodeficiency 36 with lymphoproliferation. Also called: ACTIVATED PI3K-DELTA SYNDROME 2; Activated PI3K Delta Syndrome Type 2 (APDS2); Immunodeficiency 36. Identifiers: Orphanet 397596, Orphanet 693681, MedGen C4014934, MONDO:0014453, OMIM 616005.
SHORT syndrome. Also called: PIK3R1-Related SHORT Syndrome; LIPODYSTROPHY, PARTIAL, WITH RIEGER ANOMALY AND SHORT STATURE; SHORT STATURE, HYPEREXTENSIBILITY, HERNIA, OCULAR DEPRESSION, RIEGER ANOMALY, AND TEETHING DELAY. Identifiers: Orphanet 3163, MedGen C0878684, MONDO:0010026, OMIM 269880.
Agammaglobulinemia 7, autosomal recessive (AGM7). Also called: AGAMMAGLOBULINEMIA, AUTOSOMAL RECESSIVE, DUE TO PIK3R1 DEFECT. Identifiers: MedGen C3554689, MONDO:0014083, OMIM 615214.
Activated PI3K-delta syndrome. Identifiers: Orphanet 397596, MedGen C3714976, MONDO:0018338.

Allele frequency attached by ClinVar (database versions not stated): ExAC 0.00001; gnomAD 0.00001; gnomAD exomes 0.00001; TOPMed 0.00002.
gnomAD v4.1: 9 of 1,613,118 alleles (0.00056%); highest among the groups gnomAD compares: South Asian, 0.0011%; no homozygotes.

Submissions (3):

Labcorp Genetics (formerly Invitae), Labcorp
Classification: Uncertain significance for SHORT syndrome; Immunodeficiency 36 with lymphoproliferation; Agammaglobulinemia 7, autosomal recessive. Last evaluated: 2025-05-13. Review status: criteria provided, single submitter. Criteria: Invitae Variant Classification Sherloc (09022015). Collection method: clinical testing. Allele origin: germline.
Comment: This sequence change replaces arginine, which is basic and polar, with glutamine, which is neutral and polar, at codon 409 of the PIK3R1 protein (p.Arg409Gln). This variant is present in population databases (rs748784250, gnomAD 0.002%). This missense change has been observed in individual(s) with insulin resistance (PMID: 10768093). ClinVar contains an entry for this variant (Variation ID: 999594). Invitae Evidence Modeling of protein sequence and biophysical properties (such as structural, functional, and spatial information, amino acid conservation, physicochemical variation, residue mobility, and thermodynamic stability) indicates that this missense variant is not expected to disrupt PIK3R1 protein function with a negative predictive value of 80%. Experimental studies are conflicting or provide insufficient evidence to determine the effect of this variant on PIK3R1 function (PMID: 10768093, 28143957). In summary, the available evidence is currently insufficient to determine the role of this variant in disease. Therefore, it has been classified as a Variant of Uncertain Significance.

Blueprint Genetics
Classification: Uncertain significance. Last evaluated: 2023-10-26. Review status: criteria provided, single submitter. Criteria: ACMG Guidelines, 2015. Collection method: clinical testing. Allele origin: germline.

Rarefied Biosciences Lab
Classification: Likely benign for Activated PI3K-delta syndrome. Review status: no assertion criteria provided. Collection method: research. Allele origin: germline, not applicable. Affected: yes. Not counted in ClinVar's aggregate classification.
Comment: The following variant p.Arg409Gln is likely benign due to experimental evidence showing no abnormal function of TFH, mTOR, and transitional B cells which are hallmarks of affected patients.

Literature cited by the submitters: PubMed 10768093 (cited by Labcorp Genetics (formerly Invitae), Labcorp); PubMed 28143957 (cited by Labcorp Genetics (formerly Invitae), Labcorp); PubMed 31031754 (cited by Rarefied Biosciences Lab).